The following is an entry in ClinVar:

NM_003482.4(KMT2D):c.10763A>G (p.His3588Arg)

Gene: KMT2D (lysine methyltransferase 2D; minus strand). Cytogenetic location: 12q13.12.
Variant type: single nucleotide variant.
Coding change: c.10763A>G on transcript NM_003482.4 (MANE Select); coding-DNA position 10763, A replaced by G.
Protein change: p.His3588Arg; replaces histidine 3588 with arginine.
Molecular consequence: missense variant.
Genome position (GRCh38, 1-based): chr12:49,033,942, T>C on the plus strand (A>G on the coding strand, the complement: KMT2D is on the minus strand). VCF-style: chr12-49033942-T-C. GRCh37 (hg19) VCF-style: chr12-49427725-T-C.
Other names: short protein forms H3588R.
Identifiers: ClinVar variation 2630793 (VCV002630793.6), dbSNP rs2498366939, ClinGen allele CA384726442.

ClinVar aggregate classification (germline): Uncertain significance. Review status: criteria provided, single submitter (1 of 4 stars). 2 submissions from 2 submitters: Uncertain significance (1). 1 of the submissions does not count toward it. Last evaluated 2023-08-07.

Conditions:
KMT2D-related disorder. Also called: KMT2D-Related Disorders.
Kabuki syndrome. Also called: Kabuki make-up syndrome; NIIKAWA-KUROKI SYNDROME. Identifiers: Orphanet 2322, MedGen C0796004, MONDO:0016512.

Submissions (2):

Labcorp Genetics (formerly Invitae), Labcorp
Classification: Uncertain significance for Kabuki syndrome. Last evaluated: 2023-08-07. Review status: criteria provided, single submitter. Criteria: Invitae Variant Classification Sherloc (09022015). Collection method: clinical testing. Allele origin: germline.
Comment: In summary, the available evidence is currently insufficient to determine the role of this variant in disease. Therefore, it has been classified as a Variant of Uncertain Significance. Advanced modeling of protein sequence and biophysical properties (such as structural, functional, and spatial information, amino acid conservation, physicochemical variation, residue mobility, and thermodynamic stability) performed at Invitae indicates that this missense variant is expected to disrupt KMT2D protein function. This variant has not been reported in the literature in individuals affected with KMT2D-related conditions. This variant is not present in population databases (gnomAD no frequency). This sequence change replaces histidine, which is basic and polar, with arginine, which is basic and polar, at codon 3588 of the KMT2D protein (p.His3588Arg).

PreventionGenetics, part of Exact Sciences
Classification: Likely pathogenic for KMT2D-related condition. Last evaluated: 2023-10-27. Review status: no assertion criteria provided. Collection method: clinical testing. Allele origin: germline. Not counted in ClinVar's aggregate classification.
Comment: The KMT2D c.10763A>G variant is predicted to result in the amino acid substitution p.His3588Arg. To our knowledge, this variant has not been reported in the literature or in a large population database, indicating this variant is rare. Taken together, this variant is interpreted as likely pathogenic.